The following is an entry in ClinVar:

ClinVar aggregate classification (germline): Conflicting classifications of pathogenicity. Review status: criteria provided, conflicting classifications (1 of 4 stars). 4 submissions from 4 submitters: Uncertain significance (3); Likely benign (1). Last evaluated 2025-09-24.

Conditions:
Hereditary cancer-predisposing syndrome. Also called: Hereditary Cancer Syndrome; Hereditary neoplastic syndrome; Neoplastic Syndromes, Hereditary; Tumor predisposition. Identifiers: Orphanet 140162, MedGen C0027672, MeSH D009386, MONDO:0015356.
Familial cancer of breast. Also called: BREAST CANCER, FAMILIAL; Hereditary breast cancer; hereditary breast carcinoma. Identifiers: Orphanet 227535, MedGen C0346153, MONDO:0016419, OMIM 114480. Disease mechanism: loss of function.

Allele frequency attached by ClinVar (database versions not stated): gnomAD exomes below 0.00001 and 0.00001; ExAC 0.00002; gnomAD 0.00002.
gnomAD v4.1: 8 of 1,614,022 alleles (0.0005%); highest among the groups gnomAD compares: East Asian, 0.0022%; no homozygotes.

Submissions (4):

Labcorp Genetics (formerly Invitae), Labcorp
Classification: Uncertain significance for Familial cancer of breast. Last evaluated: 2025-09-24. Review status: criteria provided, single submitter. Criteria: Invitae Variant Classification Sherloc (09022015). Collection method: clinical testing. Allele origin: germline.
Comment: This sequence change replaces lysine, which is basic and polar, with arginine, which is basic and polar, at codon 684 of the BARD1 protein (p.Lys684Arg). This variant is present in population databases (rs780161956, gnomAD 0.004%). This variant has not been reported in the literature in individuals affected with BARD1-related conditions. ClinVar contains an entry for this variant (Variation ID: 406738). An algorithm developed to predict the effect of missense changes on protein structure and function outputs the following: PolyPhen-2: "Benign". The arginine amino acid residue is found in multiple mammalian species, which suggests that this missense change does not adversely affect protein function. In summary, the available evidence is currently insufficient to determine the role of this variant in disease. Therefore, it has been classified as a Variant of Uncertain Significance.

Mayo Clinic Laboratories, Mayo Clinic
Classification: Uncertain significance. Last evaluated: 2025-04-08. Review status: criteria provided, single submitter. Criteria: ACMG Guidelines, 2015. Collection method: clinical testing. Allele origin: germline. Observed: 1 variant allele.
Comment: BP4_moderate

Center for Genomic Medicine, Rigshospitalet, Copenhagen University Hospital
Classification: Uncertain significance. Last evaluated: 2025-03-04. Review status: criteria provided, single submitter. Criteria: ACMG Guidelines, 2015. Collection method: clinical testing. Allele origin: germline.

Ambry Genetics
Classification: Likely benign for Hereditary cancer-predisposing syndrome. Last evaluated: 2024-02-26. Review status: criteria provided, single submitter. Criteria: Ambry Variant Classification Scheme 2023. Collection method: clinical testing. Allele origin: germline.

NM_000465.4(BARD1):c.2051A>G (p.Lys684Arg)

Gene: BARD1 (BRCA1 associated RING domain 1; minus strand). Cytogenetic location: 2q35.
Variant type: single nucleotide variant.
Coding change: c.2051A>G on transcript NM_000465.4 (MANE Select); coding-DNA position 2051, A replaced by G.
Protein change: p.Lys684Arg; replaces lysine 684 with arginine.
Molecular consequence: missense variant. On other transcripts: non-coding transcript variant (3).
Genome position (GRCh38, 1-based): chr2:214,728,959, T>C on the plus strand (A>G on the coding strand, the complement: BARD1 is on the minus strand). VCF-style: chr2-214728959-T-C. GRCh37 (hg19) VCF-style: chr2-215593683-T-C.
Other names: p.Lys684Arg; c.1994A>G, p.Lys665Arg (NM_001282543.2); c.698A>G, p.Lys233Arg (NM_001282545.2); c.641A>G, p.Lys214Arg (NM_001282548.2); c.512A>G, p.Lys171Arg (NM_001282549.2); short protein forms K684R, K214R, K233R, K171R, K665R.
Identifiers: ClinVar variation 406738 (VCV000406738.19), dbSNP rs780161956, ClinGen allele CA2090081.